The following is an entry in ClinVar:

NM_002439.5(MSH3):c.1705A>T (p.Thr569Ser)

Gene: MSH3 (mutS homolog 3; plus strand). Cytogenetic location: 5q14.1.
Variant type: single nucleotide variant.
Coding change: c.1705A>T on transcript NM_002439.5 (MANE Select); coding-DNA position 1705, A replaced by T.
Protein change: p.Thr569Ser; replaces threonine 569 with serine.
Molecular consequence: missense variant.
Genome position (GRCh38, 1-based): chr5:80,744,557, A>T. VCF-style: chr5-80744557-A-T. GRCh37 (hg19) VCF-style: chr5-80040376-A-T.
Other names: short protein forms T569S.
Identifiers: ClinVar variation 4713760 (VCV004713760.1).

ClinVar aggregate classification (germline): Uncertain significance (1 of 4 stars; one submission).

Submission:

Labcorp Genetics (formerly Invitae), Labcorp
Classification: Uncertain significance. Last evaluated: 2025-02-25. Review status: criteria provided, single submitter. Criteria: Invitae Variant Classification Sherloc (09022015). Collection method: clinical testing. Allele origin: germline.
Comment: This sequence change replaces threonine, which is neutral and polar, with serine, which is neutral and polar, at codon 569 of the MSH3 protein (p.Thr569Ser). This variant is not present in population databases (gnomAD no frequency). This variant has not been reported in the literature in individuals affected with MSH3-related conditions. An algorithm developed to predict the effect of missense changes on protein structure and function (PolyPhen-2) suggests that this variant is likely to be disruptive. In summary, the available evidence is currently insufficient to determine the role of this variant in disease. Therefore, it has been classified as a Variant of Uncertain Significance.